The following is an entry in ClinVar:

ClinVar aggregate classification (germline): Uncertain significance (1 of 4 stars; one submission).

Conditions:
Catecholaminergic polymorphic ventricular tachycardia (CVPT). Also called: Catecholamine-induced polymorphic ventricular tachycardia. Identifiers: Orphanet 3286, MedGen C5574922, MONDO:0017990.

Submission:

All of Us Research Program, National Institutes of Health
Classification: Uncertain significance for Catecholaminergic polymorphic ventricular tachycardia. Last evaluated: 2023-08-28. Review status: criteria provided, single submitter. Criteria: ACMG Guidelines, 2015. Collection method: clinical testing. Allele origin: germline. Inheritance: Autosomal dominant inheritance. Observed: 1 variant allele, 1 heterozygote.
Comment: This missense variant replaces aspartic acid with glutamic acid at codon 1981 of the RYR2 protein. Computational prediction suggests that this variant may not impact protein structure and function (internally defined REVEL score threshold <= 0.5, PMID: 27666373). To our knowledge, functional studies have not been reported for this variant. This variant has not been reported in individuals affected with RYR2-related disorders in the literature. This variant has not been identified in the general population by the Genome Aggregation Database (gnomAD). The available evidence is insufficient to determine the role of this variant in disease conclusively. Therefore, this variant is classified as a Variant of Uncertain Significance.

This study involves interpretation of variants in research participants for the purpose of population health screening. Participant phenotype was not available at the time of variant classification. Additional details can be found in publication PMID: 35346344, PMCID: PMC8962531

NM_001035.3(RYR2):c.5943T>A (p.Asp1981Glu)

Gene: RYR2 (ryanodine receptor 2; plus strand). Cytogenetic location: 1q43.
Variant type: single nucleotide variant.
Coding change: c.5943T>A on transcript NM_001035.3 (MANE Select); coding-DNA position 5943, T replaced by A.
Protein change: p.Asp1981Glu; replaces aspartic acid 1981 with glutamic acid.
Molecular consequence: missense variant.
Genome position (GRCh38, 1-based): chr1:237,623,791, T>A. VCF-style: chr1-237623791-T-A. GRCh37 (hg19) VCF-style: chr1-237787091-T-A.
Other names: short protein forms D1981E.
Identifiers: ClinVar variation 3073207 (VCV003073207.1), dbSNP rs2546859446, ClinGen allele CA345408135.